The following is an entry in ClinVar:

ClinVar aggregate classification (germline): Likely benign. Review status: criteria provided, multiple submitters, no conflicts (2 of 4 stars). 2 submissions from 2 submitters: Likely benign (2). Last evaluated 2025-01-06.

Conditions:
TCEAL1-related condition.

Allele frequency attached by ClinVar (database versions not stated): ESP Exome Variant Server 0.00058; 1000 Genomes Project 0.00079; 1000 Genomes Project 30x 0.00083; ExAC 0.00084; TOPMed 0.00088; gnomAD 0.00090; gnomAD exomes 0.00094.
gnomAD v4.1: 1,053 of 1,133,750 alleles (0.093%); highest among the groups gnomAD compares: Admixed American, 0.19%; no homozygotes.

Submissions (2):

PreventionGenetics, part of Exact Sciences
Classification: Likely benign for TCEAL1-related condition. Last evaluated: 2025-01-06. Review status: criteria provided, single submitter. Criteria: ACMG Guidelines, 2015. Collection method: clinical testing. Allele origin: germline.
Comment: This variant is classified as likely benign based on ACMG/AMP sequence variant interpretation guidelines (Richards et al. 2015 PMID: 25741868, with internal and published modifications).

CeGaT Center for Human Genetics Tuebingen
Classification: Likely benign. Last evaluated: 2023-04-01. Review status: criteria provided, single submitter. Criteria: CeGaT Center For Human Genetics Tuebingen Variant Classification Criteria Version 2. Collection method: clinical testing. Allele origin: germline. Affected: yes. Observed: 1 variant allele.
Comment: TCEAL1: BP4, BP7, BS2

NM_004780.3(TCEAL1):c.6C>T (p.Asp2=)

Genes: TCEAL1 (transcription elongation factor A like 1; plus strand), LOC130068513 (ATAC-STARR-seq lymphoblastoid active region 29823; plus strand). Cytogenetic location: Xq22.2.
Variant type: single nucleotide variant.
Coding change: c.6C>T on transcript NM_004780.3 (MANE Select); coding-DNA position 6, C replaced by T.
Protein change: p.Asp2=; no amino-acid change (aspartic acid 2 retained).
Molecular consequence: synonymous variant.
Genome position (GRCh38, 1-based): chrX:103,629,922, C>T. VCF-style: chrX-103629922-C-T. GRCh37 (hg19) VCF-style: chrX-102884850-C-T.
Other names: c.6C>T, p.Asp2= (NM_001006639.2, NM_001006640.2); c.6C>T (NM_001006640.1).
Identifiers: ClinVar variation 2661100 (VCV002661100.25), dbSNP rs184713983, ClinGen allele CA10478382.
Genomic context (GRCh38, chrX:103,629,922, plus strand): 5'-TTCTGCCTTTCTTGTCTCCTAAGAATAACTGTGCTTGAAGAAGAAAATTCCCAACATGGA[C>T]AAACCACGCAAAGAAAATGAAGAAGAGCCGCAGAGCGCGCCCAAGACCGATGAGGAGAGG-3'
Protein context (NP_004771.2, residues 1-12): M[Asp2=]KPRKENEEEP